The following is an entry in ClinVar:

ClinVar aggregate classification (germline): Likely benign. Review status: criteria provided, multiple submitters, no conflicts (2 of 4 stars). 2 submissions from 2 submitters: Likely benign (2). Last evaluated 2025-06-02.

Conditions:
DYRK1A-related intellectual disability syndrome (MRD7). Also called: Intellectual developmental disorder, autosomal dominant 7; DYRK1A Syndrome. Identifiers: Orphanet 464306, MedGen C5568143, MONDO:0013578, OMIM 614104.

Allele frequency attached by ClinVar (database versions not stated): gnomAD 0.00003; TOPMed 0.00003; gnomAD exomes 0.00004; ExAC 0.00006; ESP Exome Variant Server 0.00023.
gnomAD v4.1: 104 of 1,564,120 alleles (0.0066%); highest among the groups gnomAD compares: Non-Finnish European, 0.0086%; no homozygotes.

Submissions (2):

Labcorp Genetics (formerly Invitae), Labcorp
Classification: Likely benign for DYRK1A-related intellectual disability syndrome. Last evaluated: 2025-06-02. Review status: criteria provided, single submitter. Criteria: Invitae Variant Classification Sherloc (09022015). Collection method: clinical testing. Allele origin: germline.

GeneDx
Classification: Likely benign. Last evaluated: 2017-07-24. Review status: criteria provided, single submitter. Criteria: GeneDx Variant Classification (06012015). Collection method: clinical testing. Allele origin: germline. Affected: yes.
Comment: This variant is considered likely benign or benign based on one or more of the following criteria: it is a conservative change, it occurs at a poorly conserved position in the protein, it is predicted to be benign by multiple in silico algorithms, and/or has population frequency not consistent with disease.

NM_001347721.2(DYRK1A):c.489+12G>A

Gene: DYRK1A (dual specificity tyrosine phosphorylation regulated kinase 1A; plus strand). Cytogenetic location: 21q22.13.
Variant type: single nucleotide variant.
Coding change: c.489+12G>A on transcript NM_001347721.2 (MANE Select); 12 bases into the intron after coding-DNA position 489, G replaced by A.
Molecular consequence: intron variant.
Genome position (GRCh38, 1-based): chr21:37,480,838, G>A. VCF-style: chr21-37480838-G-A. GRCh37 (hg19) VCF-style: chr21-38853140-G-A.
Other names: c.516+12G>A (NM_001396.5, NM_101395.2, NM_130438.2); c.489+12G>A (NM_001347722.2, NM_130436.2); c.402+12G>A (NM_001347723.2).
Identifiers: ClinVar variation 384924 (VCV000384924.9), dbSNP rs374459216, ClinGen allele CA10023794.